The following is an entry in ClinVar:

NM_001365951.3(KIF1B):c.5189T>C (p.Val1730Ala)

Gene: KIF1B (kinesin family member 1B; plus strand). Cytogenetic location: 1p36.22.
Variant type: single nucleotide variant.
Coding change: c.5189T>C on transcript NM_001365951.3 (MANE Select); coding-DNA position 5189, T replaced by C.
Protein change: p.Val1730Ala; replaces valine 1730 with alanine.
Molecular consequence: missense variant.
Genome position (GRCh38, 1-based): chr1:10,374,946, T>C. VCF-style: chr1-10374946-T-C. GRCh37 (hg19) VCF-style: chr1-10435004-T-C.
Other names: c.5189T>C, p.Val1730Ala (NM_001365952.1); c.5051T>C, p.Val1684Ala (NM_015074.3); short protein forms V1684A, V1730A.
Identifiers: ClinVar variation 1745039 (VCV001745039.10), dbSNP rs777611261, ClinGen allele CA582284.

ClinVar aggregate classification (germline): Uncertain significance. Review status: criteria provided, multiple submitters, no conflicts (2 of 4 stars). 2 submissions from 2 submitters: Uncertain significance (2). Last evaluated 2025-11-08.

Conditions:
Charcot-Marie-Tooth disease type 2. Also called: Charcot-Marie-Tooth type 2. Identifiers: Orphanet 64746, MedGen C0270914, MONDO:0018993.

Allele frequency attached by ClinVar (database versions not stated): gnomAD 0.00001; gnomAD exomes below 0.00001; ExAC 0.00001.
gnomAD v4.1: 3 of 1,614,032 alleles (0.00019%); highest among the groups gnomAD compares: African/African-American, 0.004%; no homozygotes.

Submissions (2):

Ambry Genetics
Classification: Uncertain significance. Last evaluated: 2025-11-08. Review status: criteria provided, single submitter. Criteria: Ambry Variant Classification Scheme 2023. Collection method: clinical testing. Allele origin: germline.

Labcorp Genetics (formerly Invitae), Labcorp
Classification: Uncertain significance for Charcot-Marie-Tooth disease type 2. Last evaluated: 2022-03-11. Review status: criteria provided, single submitter. Criteria: Invitae Variant Classification Sherloc (09022015). Collection method: clinical testing. Allele origin: germline.
Comment: This variant has not been reported in the literature in individuals affected with KIF1B-related conditions. In summary, the available evidence is currently insufficient to determine the role of this variant in disease. Therefore, it has been classified as a Variant of Uncertain Significance. Algorithms developed to predict the effect of missense changes on protein structure and function output the following: SIFT: "Deleterious"; PolyPhen-2: "Probably Damaging"; Align-GVGD: "Class C0". The alanine amino acid residue is found in multiple mammalian species, which suggests that this missense change does not adversely affect protein function. This variant is present in population databases (rs777611261, gnomAD 0.007%). This sequence change replaces valine, which is neutral and non-polar, with alanine, which is neutral and non-polar, at codon 1684 of the KIF1B protein (p.Val1684Ala).